The following is an entry in ClinVar:

NM_000179.3(MSH6):c.3253del (p.Thr1085fs)

Gene: MSH6 (mutS homolog 6; plus strand). Cytogenetic location: 2p16.3.
Variant type: Deletion.
Coding change: c.3253del on transcript NM_000179.3 (MANE Select); coding-DNA position 3253, one base deleted (A; older notation c.3253delA).
Protein change: p.Thr1085fs; shifts the reading frame from threonine 1085.
Molecular consequence: frameshift variant.
Genome position (GRCh38, 1-based): chr2:47,803,500, A deleted. VCF-style (leftmost placement, unchanged base first): chr2-47803499-TA-T. GRCh37 (hg19) VCF-style: chr2-48030638-TA-T.
Other names: c.2863del, p.Thr955fs (NM_001281492.2); c.2347del, p.Thr783fs (NM_001281493.2, NM_001281494.2); c.3253delA (NM_000179.2); short protein forms T1085fs, T955fs, T783fs.
Identifiers: ClinVar variation 410419 (VCV000410419.17), dbSNP rs1060502891, ClinGen allele CA16610955.

ClinVar aggregate classification (germline): Pathogenic/Likely pathogenic. Review status: criteria provided, multiple submitters, no conflicts (2 of 4 stars). 5 submissions from 5 submitters: Pathogenic (4); Likely pathogenic (1). Last evaluated 2025-08-27.

Conditions:
Lynch syndrome 5 (LYNCH5). Also called: Hereditary non-polyposis colorectal cancer, type 5; Colorectal cancer, hereditary nonpolyposis, type 5. Identifiers: Orphanet 144, MedGen C1833477, MONDO:0013710, OMIM 614350. Disease mechanism: loss of function.
Hereditary cancer-predisposing syndrome. Also called: Tumor predisposition; Hereditary Cancer Syndrome; Hereditary neoplastic syndrome; Neoplastic Syndromes, Hereditary. Identifiers: Orphanet 140162, MedGen C0027672, MeSH D009386, MONDO:0015356.
Hereditary nonpolyposis colorectal neoplasms. Identifiers: MedGen C0009405, MeSH D003123.
Hereditary nonpolyposis colon cancer (HNPCC). Also called: Hereditary nonpolyposis colorectal cancer; Familial nonpolyposis colon cancer; Hereditary Nonpolyposis Colorectal Cancer Syndrome. Identifiers: Orphanet 443909, MedGen C1333990, MONDO:0018630. Disease mechanism: loss of function.

Submissions (5):

Ambry Genetics
Classification: Pathogenic for Hereditary cancer-predisposing syndrome. Last evaluated: 2025-08-27. Review status: criteria provided, single submitter. Criteria: Ambry Variant Classification Scheme 2023. Collection method: clinical testing. Allele origin: germline.
Comment: The c.3253delA pathogenic mutation, located in coding exon 5 of the MSH6 gene, results from a deletion of one nucleotide at nucleotide position 3253, causing a translational frameshift with a predicted alternate stop codon (p.T1085Pfs*5). This variant is considered to be rare based on population cohorts in the Genome Aggregation Database (gnomAD). This alteration is expected to result in loss of function by premature protein truncation or nonsense-mediated mRNA decay. As such, this alteration is interpreted as a disease-causing mutation.

Labcorp Genetics (formerly Invitae), Labcorp
Classification: Pathogenic for Hereditary nonpolyposis colorectal neoplasms. Last evaluated: 2025-03-07. Review status: criteria provided, single submitter. Criteria: Invitae Variant Classification Sherloc (09022015). Collection method: clinical testing. Allele origin: germline.
Comment: This sequence change creates a premature translational stop signal (p.Thr1085Profs*5) in the MSH6 gene. It is expected to result in an absent or disrupted protein product. Loss-of-function variants in MSH6 are known to be pathogenic (PMID: 18269114, 24362816). This variant is not present in population databases (gnomAD no frequency). This variant has not been reported in the literature in individuals affected with MSH6-related conditions. ClinVar contains an entry for this variant (Variation ID: 410419). For these reasons, this variant has been classified as Pathogenic.

Myriad Genetics, Inc.
Classification: Pathogenic for Lynch syndrome 5. Last evaluated: 2023-08-22. Review status: criteria provided, single submitter. Criteria: Myriad Autosomal Dominant, Autosomal Recessive and X-Linked Classification Criteria (2023). Collection method: clinical testing. Allele origin: unknown.
Comment: This variant is considered pathogenic. This variant creates a frameshift predicted to result in premature protein truncation.

Women's Health and Genetics/Laboratory Corporation of America, LabCorp
Classification: Likely pathogenic for Hereditary nonpolyposis colon cancer. Last evaluated: 2022-11-25. Review status: criteria provided, single submitter. Criteria: LabCorp Variant Classification Summary - May 2015. Collection method: clinical testing. Allele origin: germline.
Comment: Variant summary: MSH6 c.3253delA (p.Thr1085ProfsX5) results in a premature termination codon, predicted to cause a truncation of the encoded protein or absence of the protein due to nonsense mediated decay, which are commonly known mechanisms for disease. Truncations downstream of this position have been classified as pathogenic by our laboratory. The variant was absent in 249750 control chromosomes. To our knowledge, no occurrence of c.3253delA in individuals affected with Hereditary Nonpolyposis Colorectal Cancer and no experimental evidence demonstrating its impact on protein function have been reported. Three clinical diagnostic laboratories have submitted clinical-significance assessments for this variant to ClinVar after 2014 without evidence for independent evaluation. All laboratories classified the variant as pathogenic/likely pathogenic. Based on the evidence outlined above, the variant was classified as likely pathogenic.

Clinical Genetics and Genomics, Karolinska University Hospital
Classification: Pathogenic. Last evaluated: 2017-06-07. Review status: criteria provided, single submitter. Criteria: ACMG Guidelines, 2015. Collection method: clinical testing. Allele origin: germline. Affected: yes. Observed: 1 variant allele.

Literature cited by the submitters: PubMed 18269114 (cited by Labcorp Genetics (formerly Invitae), Labcorp); PubMed 24362816 (cited by Labcorp Genetics (formerly Invitae), Labcorp).